The following is an entry in ClinVar:

ClinVar aggregate classification (germline): Uncertain significance (1 of 4 stars; one submission).

Conditions:
Xanthinuria type II. Also called: Xanthine dehydrogenase and aldehyde oxidase combined deficiency of; XDH and AOX dual deficiency. Identifiers: Orphanet 3467, Orphanet 93602, MedGen C1863688, MONDO:0011346, OMIM 603592.

Allele frequency attached by ClinVar (database versions not stated): ExAC 0.00001.
gnomAD v4.1: 2 of 1,613,896 alleles (0.00012%); highest among the groups gnomAD compares: Non-Finnish European, 0.00017%; no homozygotes.

Submission:

Labcorp Genetics (formerly Invitae), Labcorp
Classification: Uncertain significance for Xanthinuria type II. Last evaluated: 2022-07-18. Review status: criteria provided, single submitter. Criteria: Invitae Variant Classification Sherloc (09022015). Collection method: clinical testing. Allele origin: germline.
Comment: This sequence change falls in intron 34 of the XDH gene. It does not directly change the encoded amino acid sequence of the XDH protein. This variant is present in population databases (rs746941389, gnomAD 0.0009%). This variant has not been reported in the literature in individuals affected with XDH-related conditions. Algorithms developed to predict the effect of sequence changes on RNA splicing suggest that this variant may create or strengthen a splice site. In summary, the available evidence is currently insufficient to determine the role of this variant in disease. Therefore, it has been classified as a Variant of Uncertain Significance.

NM_000379.4(XDH):c.3775-7T>C

Gene: XDH (xanthine dehydrogenase; minus strand). Cytogenetic location: 2p23.1.
Variant type: single nucleotide variant.
Coding change: c.3775-7T>C on transcript NM_000379.4 (MANE Select); 7 bases into the intron before coding-DNA position 3775, T replaced by C.
Molecular consequence: intron variant.
Genome position (GRCh38, 1-based): chr2:31,337,824, A>G on the plus strand (T>C on the coding strand, the complement: XDH is on the minus strand). VCF-style: chr2-31337824-A-G. GRCh37 (hg19) VCF-style: chr2-31560690-A-G.
Identifiers: ClinVar variation 2130905 (VCV002130905.4), dbSNP rs746941389, ClinGen allele CA1598254.